The following is an entry in ClinVar:

NM_001034116.2(EIF2B4):c.283C>T (p.Arg95Trp)

Gene: EIF2B4 (eukaryotic translation initiation factor 2B subunit delta; minus strand). Cytogenetic location: 2p23.3.
Variant type: single nucleotide variant.
Coding change: c.283C>T on transcript NM_001034116.2 (MANE Select); coding-DNA position 283, C replaced by T.
Protein change: p.Arg95Trp; replaces arginine 95 with tryptophan.
Molecular consequence: missense variant. On other transcripts: 5 prime UTR variant (2).
Genome position (GRCh38, 1-based): chr2:27,369,141, G>A on the plus strand (C>T on the coding strand, the complement: EIF2B4 is on the minus strand). VCF-style: chr2-27369141-G-A. GRCh37 (hg19) VCF-style: chr2-27592008-G-A.
Other names: c.190C>T, p.Arg64Trp (NM_001318967.2); c.-233C>T (NM_001318968.2); c.-310C>T (NM_001318969.2); c.280C>T, p.Arg94Trp (NM_015636.4); c.343C>T, p.Arg115Trp (NM_172195.4); c.346C>T, p.Arg116Trp (NM_001318965.2); c.238C>T, p.Arg80Trp (NM_001318966.2); short protein forms R64W, R94W, R115W, R116W, R80W, R95W.
Identifiers: ClinVar variation 1956445 (VCV001956445.5), dbSNP rs756288383, ClinGen allele CA1576950.

ClinVar aggregate classification (germline): Uncertain significance (1 of 4 stars; one submission).

Allele frequency attached by ClinVar (database versions not stated): gnomAD exomes below 0.00001; ExAC 0.00001; gnomAD 0.00001.
gnomAD v4.1: 7 of 1,613,248 alleles (0.00043%); highest among the groups gnomAD compares: East Asian, 0.0022%; no homozygotes.

Submission:

Labcorp Genetics (formerly Invitae), Labcorp
Classification: Uncertain significance. Last evaluated: 2022-11-08. Review status: criteria provided, single submitter. Criteria: Invitae Variant Classification Sherloc (09022015). Collection method: clinical testing. Allele origin: germline.
Comment: This variant has not been reported in the literature in individuals affected with EIF2B4-related conditions. This variant is present in population databases (rs756288383, gnomAD 0.006%). This sequence change replaces arginine, which is basic and polar, with tryptophan, which is neutral and slightly polar, at codon 94 of the EIF2B4 protein (p.Arg94Trp). Algorithms developed to predict the effect of missense changes on protein structure and function are either unavailable or do not agree on the potential impact of this missense change (SIFT: "Deleterious"; PolyPhen-2: "Probably Damaging"; Align-GVGD: "Class C0"). In summary, the available evidence is currently insufficient to determine the role of this variant in disease. Therefore, it has been classified as a Variant of Uncertain Significance.